The following is an entry in ClinVar:

ClinVar aggregate classification (germline): Likely benign (1 of 4 stars; one submission).

Submission:

CeGaT Center for Human Genetics Tuebingen
Classification: Likely benign. Last evaluated: 2025-05-01. Review status: criteria provided, single submitter. Criteria: CeGaT Center For Human Genetics Tuebingen Variant Classification Criteria Version 2. Collection method: clinical testing. Allele origin: germline. Affected: yes. Observed: 1 variant allele.
Comment: ANKRD20A4P: PM2:Supporting, BP4, BP7

NR_146419.1(ANKRD20A4-ANKRD20A20P):n.1899T>C

Gene: ANKRD20A4-ANKRD20A20P (ANKRD20A4-ANKRD20A20P readthrough; plus strand). Cytogenetic location: 9q13.
Variant type: single nucleotide variant.
Molecular consequence: non-coding transcript variant (on NR_146419.1).
Genome position: GRCh38 VCF-style: chr9-64410892-T-C. GRCh37 (hg19) VCF-style: chr9-69423310-T-C.
Identifiers: ClinVar variation 3905370 (VCV003905370.10).
Genomic context (GRCh38, chr9:64,410,892, plus strand): 5'-ATTTTGAAGGCAGATATTGCTATACTCAGACAGGAAATATGTACAATGAAAAATGACAAC[T>C]TGGAAAAAGAAAATAAATATCTTAAGGACATTAAAATTGTTAAAGAAACAAATGCTGCCC-3'